The following is an entry in ClinVar:

NM_001384140.1(PCDH15):c.2538C>T (p.Val846=)

Gene: PCDH15 (protocadherin related 15; minus strand). Cytogenetic location: 10q21.1.
Variant type: single nucleotide variant.
Coding change: c.2538C>T on transcript NM_001384140.1 (MANE Select); coding-DNA position 2538, C replaced by T.
Protein change: p.Val846=; no amino-acid change (valine 846 retained).
Molecular consequence: synonymous variant.
Genome position (GRCh38, 1-based): chr10:54,020,405, G>A on the plus strand (C>T on the coding strand, the complement: PCDH15 is on the minus strand). VCF-style: chr10-54020405-G-A. GRCh37 (hg19) VCF-style: chr10-55780165-G-A.
Other names: c.2553C>T, p.Val851= (NM_001142763.2, NM_001142771.2); c.2538C>T, p.Val846= (NM_001142764.2, NM_001142766.2, NM_001142770.3 and 5 more transcripts); c.2325C>T, p.Val775= (NM_001142765.2); c.2427C>T, p.Val809= (NM_001142767.2); c.2472C>T, p.Val824= (NM_001142768.2, NM_001142773.2, NM_001354404.2); c.2574C>T, p.Val858= (NM_001142769.4); c.2559C>T, p.Val853= (NM_001354411.2).
Identifiers: ClinVar variation 178965 (VCV000178965.34), dbSNP rs727504573, ClinGen allele CA183398.

ClinVar aggregate classification (germline): Likely benign. Review status: criteria provided, multiple submitters, no conflicts (2 of 4 stars). 4 submissions from 4 submitters: Likely benign (4). Last evaluated 2026-01-16.

Allele frequency attached by ClinVar (database versions not stated): gnomAD 0.00002 and 0.00003; TOPMed 0.00002; ExAC 0.00004; gnomAD exomes 0.00004 and 0.00005.
gnomAD v4.1: 71 of 1,613,504 alleles (0.0044%); highest among the groups gnomAD compares: Admixed American, 0.005%; no homozygotes.

Submissions (4):

Labcorp Genetics (formerly Invitae), Labcorp
Classification: Likely benign. Last evaluated: 2026-01-16. Review status: criteria provided, single submitter. Criteria: Invitae Variant Classification Sherloc (09022015). Collection method: clinical testing. Allele origin: germline.

CeGaT Center for Human Genetics Tuebingen
Classification: Likely benign. Last evaluated: 2024-05-01. Review status: criteria provided, single submitter. Criteria: CeGaT Center For Human Genetics Tuebingen Variant Classification Criteria Version 2. Collection method: clinical testing. Allele origin: germline. Affected: yes. Observed: 1 variant allele.
Comment: PCDH15: BP4, BP7

Blueprint Genetics
Classification: Likely benign. Last evaluated: 2021-11-11. Review status: criteria provided, single submitter. Criteria: ACMG Guidelines, 2015. Collection method: clinical testing. Allele origin: germline.

Laboratory for Molecular Medicine, Mass General Brigham Personalized Medicine
Classification: Likely benign. Last evaluated: 2013-06-05. Review status: criteria provided, single submitter. Criteria: LMM Criteria. Collection method: clinical testing. Allele origin: germline. Observed: 1 variant allele.
Comment: Val846Val in exon 20 of PCDH15: This variant is not expected to have clinical si gnificance because it does not alter an amino acid residue and is not located wi thin the splice consensus sequence.